The following is an entry in ClinVar:

NM_001256071.3(RNF213):c.7264A>G (p.Thr2422Ala)

Gene: RNF213 (ring finger protein 213; plus strand). Cytogenetic location: 17q25.3.
Variant type: single nucleotide variant.
Coding change: c.7264A>G on transcript NM_001256071.3 (MANE Select); coding-DNA position 7264, A replaced by G.
Protein change: p.Thr2422Ala; replaces threonine 2422 with alanine.
Molecular consequence: missense variant.
Genome position (GRCh38, 1-based): chr17:80,345,599, A>G. VCF-style: chr17-80345599-A-G. GRCh37 (hg19) VCF-style: chr17-78319399-A-G.
Other names: c.7411A>G, p.Thr2471Ala (NM_001410195.1, NM_020914.5); short protein forms T2471A, T2422A.
Identifiers: ClinVar variation 3701606 (VCV003701606.2).
Genomic context (GRCh38, chr17:80,345,599, plus strand): 5'-AAAATCCTTGCCATCGAGATGCGGTTCCGGTGTGGGATCCCGGTTATCATCATGGGAGAA[A>G]CTGGCTGTGGGAAAACCAGGCTTATTAAATTCCTTAGCGACCTGCGGCGTGGTGGTACCA-3'
Protein context (NP_001243000.2, residues 2412-2432): CGIPVIIMGE[Thr2422Ala]GCGKTRLIKF

ClinVar aggregate classification (germline): Uncertain significance (1 of 4 stars; one submission).

gnomAD v4.1: 1 of 1,613,984 alleles (0.000062%); highest among the groups gnomAD compares: Non-Finnish European, 0.000085%; no homozygotes.

Submission:

Labcorp Genetics (formerly Invitae), Labcorp
Classification: Uncertain significance. Last evaluated: 2024-10-09. Review status: criteria provided, single submitter. Criteria: Invitae Variant Classification Sherloc (09022015). Collection method: clinical testing. Allele origin: germline.
Comment: This sequence change replaces threonine, which is neutral and polar, with alanine, which is neutral and non-polar, at codon 2422 of the RNF213 protein (p.Thr2422Ala). This variant is not present in population databases (gnomAD no frequency). This variant has not been reported in the literature in individuals affected with RNF213-related conditions. Invitae Evidence Modeling of protein sequence and biophysical properties (such as structural, functional, and spatial information, amino acid conservation, physicochemical variation, residue mobility, and thermodynamic stability) indicates that this missense variant is not expected to disrupt RNF213 protein function with a negative predictive value of 95%. In summary, the available evidence is currently insufficient to determine the role of this variant in disease. Therefore, it has been classified as a Variant of Uncertain Significance.